The following is an entry in ClinVar:

ClinVar aggregate classification (germline): Uncertain significance (1 of 4 stars; one submission).

Conditions:
Joubert syndrome. Also called: CEREBELLOPARENCHYMAL DISORDER IV; JOUBERT-BOLTSHAUSER SYNDROME; Familial aplasia of the vermis. Identifiers: Orphanet 475, MedGen C5979921, MONDO:0018772.

gnomAD v4.1: 1 of 1,613,084 alleles (0.000062%); highest among the groups gnomAD compares: African/African-American, 0.0013%; no homozygotes.

Submission:

Labcorp Genetics (formerly Invitae), Labcorp
Classification: Uncertain significance for Joubert syndrome. Last evaluated: 2024-06-30. Review status: criteria provided, single submitter. Criteria: Invitae Variant Classification Sherloc (09022015). Collection method: clinical testing. Allele origin: germline.
Comment: This sequence change replaces alanine, which is neutral and non-polar, with valine, which is neutral and non-polar, at codon 708 of the AHI1 protein (p.Ala708Val). This variant is not present in population databases (gnomAD no frequency). This variant has not been reported in the literature in individuals affected with AHI1-related conditions. Advanced modeling of protein sequence and biophysical properties (such as structural, functional, and spatial information, amino acid conservation, physicochemical variation, residue mobility, and thermodynamic stability) performed at Invitae indicates that this missense variant is not expected to disrupt AHI1 protein function with a negative predictive value of 95%. In summary, the available evidence is currently insufficient to determine the role of this variant in disease. Therefore, it has been classified as a Variant of Uncertain Significance.

NM_001134831.2(AHI1):c.2123C>T (p.Ala708Val)

Gene: AHI1 (Abelson helper integration site 1; minus strand). Cytogenetic location: 6q23.3.
Variant type: single nucleotide variant.
Coding change: c.2123C>T on transcript NM_001134831.2 (MANE Select); coding-DNA position 2123, C replaced by T.
Protein change: p.Ala708Val; replaces alanine 708 with valine.
Molecular consequence: missense variant.
Genome position (GRCh38, 1-based): chr6:135,433,170, G>A on the plus strand (C>T on the coding strand, the complement: AHI1 is on the minus strand). VCF-style: chr6-135433170-G-A. GRCh37 (hg19) VCF-style: chr6-135754308-G-A.
Other names: c.2123C>T, p.Ala708Val (NM_001134830.2, NM_001134832.2, NM_001350503.2 and 2 more transcripts); short protein forms A708V.
Identifiers: ClinVar variation 3658293 (VCV003658293.2).
Genomic context (GRCh38, chr6:135,433,170, plus strand): 5'-TCAACTTTCCATATCCGTATCATGGAATCATAGCATCCTGTAACTACTAGCTCTCTTACA[G>A]CTGGATGGAATTTAGCCGTGTAAACAAAAGAAGGATGAGGTAAAACTCTGAAAGTATTTG-3'
Protein context (NP_001128303.1, residues 698-718): SFVYTAKFHP[Ala708Val]VRELVVTGCY